The following is an entry in ClinVar:

ClinVar aggregate classification (germline): Pathogenic (1 of 4 stars; one submission).

Conditions:
Zellweger spectrum disorders (ZS). Also called: Zellweger Spectrum Disorder (ZSD); Zellweger syndrome; Zellweger Spectrum Disorder; Zellweger Spectrum. Identifiers: Orphanet 912, MedGen C0043459, MONDO:0019609.

Submission:

Natera, Inc.
Classification: Pathogenic for Zellweger syndrome. Last evaluated: 2024-05-20. Review status: criteria provided, single submitter. Criteria: Natera Variant Classification Schema (03/2026). Collection method: clinical testing. Allele origin: germline.
Comment: The c.1239+1G>C variant in PEX1 is a canonical splice donor site variant predicted to affect pre-mRNA splicing, which may result in an abnormal transcript and altered protein product. This variant is expected to result in nonsense mediated decay, truncation, or a dysfunctional protein product. This variant is rare in the general population with a frequency below the threshold expected for the associated phenotype(s). Another variant at this same site results in an alteration predicted to cause a similar molecular effect has been observed in individual(s) with the associated phenotype. Given the available evidence, this variant is classified as Pathogenic.

NM_000466.3(PEX1):c.1239+1G>C

Gene: PEX1 (peroxisomal biogenesis factor 1; minus strand). Cytogenetic location: 7q21.2.
Variant type: single nucleotide variant.
Coding change: c.1239+1G>C on transcript NM_000466.3 (MANE Select); the canonical splice donor site of the intron after coding-DNA position 1239, G replaced by C.
Molecular consequence: splice donor variant.
Genome position (GRCh38, 1-based): chr7:92,517,275, C>G on the plus strand (G>C on the coding strand, the complement: PEX1 is on the minus strand). VCF-style: chr7-92517275-C-G. GRCh37 (hg19) VCF-style: chr7-92146589-C-G.
Other names: c.1239+1G>C (NM_001282677.2); c.615+1G>C (NM_001282678.2).
Identifiers: ClinVar variation 4818378 (VCV004818378.1).
Genomic context (GRCh38, chr7:92,517,275, plus strand): 5'-CATAATTTGGGGATGTTTAAGCCACATAAAATTTCTCCCAAGTTATAAAATTTATACTAA[C>G]CCAGACTTTCCCAAGATGGAGAACTTCTACATTTTTGGTATATTTGATGGCATTGTTCAA-3'